The following is an entry in ClinVar:

ClinVar aggregate classification (germline): Conflicting classifications of pathogenicity. Review status: criteria provided, conflicting classifications (1 of 4 stars). 2 submissions from 2 submitters: Uncertain significance (1); Likely benign (1). Last evaluated 2025-10-02.

Conditions:
Hereditary diffuse gastric adenocarcinoma (HDGC). Also called: DIFFUSE GASTRIC AND LOBULAR BREAST CANCER SYNDROME. Identifiers: Orphanet 26106, MedGen C1708349, MONDO:0007648, OMIM 137215.
Hereditary cancer-predisposing syndrome. Also called: Hereditary Cancer Syndrome; Neoplastic Syndromes, Hereditary; Tumor predisposition; Hereditary neoplastic syndrome. Identifiers: Orphanet 140162, MedGen C0027672, MeSH D009386, MONDO:0015356.

Submissions (2):

Labcorp Genetics (formerly Invitae), Labcorp
Classification: Likely benign for Hereditary diffuse gastric adenocarcinoma. Last evaluated: 2025-10-02. Review status: criteria provided, single submitter. Criteria: Invitae Variant Classification Sherloc (09022015). Collection method: clinical testing. Allele origin: germline.

Color Diagnostics, LLC DBA Color Health
Classification: Uncertain significance for Hereditary cancer-predisposing syndrome. Last evaluated: 2023-02-17. Review status: criteria provided, single submitter. Criteria: ACMG Guidelines, 2015. Collection method: clinical testing. Allele origin: germline.
Comment: This variant causes a T to C nucleotide substitution at the +4 position of intron 6 of the CDH1 gene. To our knowledge, RNA studies have not been reported for this variant. This variant has not been reported in individuals affected with CDH1-related disorders in the literature. This variant has not been identified in the general population by the Genome Aggregation Database (gnomAD). The available evidence is insufficient to determine the role of this variant in disease conclusively. Therefore, this variant is classified as a Variant of Uncertain Significance.

NM_004360.5(CDH1):c.832+4T>C

Gene: CDH1 (cadherin 1; plus strand). Cytogenetic location: 16q22.1.
Variant type: single nucleotide variant.
Coding change: c.832+4T>C on transcript NM_004360.5 (MANE Select); 4 bases into the intron after coding-DNA position 832, T replaced by C.
Molecular consequence: intron variant.
Genome position (GRCh38, 1-based): chr16:68,810,345, T>C. VCF-style: chr16-68810345-T-C. GRCh37 (hg19) VCF-style: chr16-68844248-T-C.
Other names: c.-784+4T>C (NM_001317185.2); c.-988+4T>C (NM_001317186.2); c.832+4T>C (NM_001317184.2).
Identifiers: ClinVar variation 630735 (VCV000630735.12), dbSNP rs1555515470, ClinGen allele CA913188776.